The following is an entry in ClinVar:

NM_058216.3(RAD51C):c.349T>G (p.Leu117Val)

Gene: RAD51C (RAD51 paralog C; plus strand). Cytogenetic location: 17q22.
Variant type: single nucleotide variant.
Coding change: c.349T>G on transcript NM_058216.3 (MANE Select); coding-DNA position 349, T replaced by G.
Protein change: p.Leu117Val; replaces leucine 117 with valine.
Molecular consequence: missense variant. On other transcripts: non-coding transcript variant (2).
Genome position (GRCh38, 1-based): chr17:58,695,134, T>G. VCF-style: chr17-58695134-T-G. GRCh37 (hg19) VCF-style: chr17-56772495-T-G.
Other names: c.349T>G, p.Leu117Val (NM_002876.4); short protein forms L117V.
Identifiers: ClinVar variation 4841436 (VCV004841436.1).

ClinVar aggregate classification (germline): Uncertain significance (1 of 4 stars; one submission).

Conditions:
Hereditary cancer-predisposing syndrome. Also called: Neoplastic Syndromes, Hereditary; Tumor predisposition; Hereditary Cancer Syndrome; Hereditary neoplastic syndrome. Identifiers: Orphanet 140162, MedGen C0027672, MeSH D009386, MONDO:0015356.

Submission:

Ambry Genetics
Classification: Uncertain significance for Hereditary cancer-predisposing syndrome. Last evaluated: 2025-12-17. Review status: criteria provided, single submitter. Criteria: Ambry Variant Classification Scheme 2023. Collection method: clinical testing. Allele origin: germline.
Comment: The p.L117V variant (also known as c.349T>G), located in coding exon 2 of the RAD51C gene, results from a T to G substitution at nucleotide position 349. The leucine at codon 117 is replaced by valine, an amino acid with highly similar properties. This amino acid position is conserved. In addition, this alteration is predicted to be tolerated by in silico analysis. Based on the available evidence, the clinical significance of this variant remains unclear.